The following is an entry in ClinVar:

ClinVar aggregate classification (germline): Likely pathogenic (1 of 4 stars; one submission).

Submission:

GeneDx
Classification: Likely pathogenic. Last evaluated: 2023-07-27. Review status: criteria provided, single submitter. Criteria: GeneDx Variant Classification Process June 2021. Collection method: clinical testing. Allele origin: germline. Affected: yes.
Comment: Has not been previously published as pathogenic or benign to our knowledge; Not observed at significant frequency in large population cohorts (gnomAD); Frameshift variant predicted to result in protein truncation or nonsense mediated decay in a gene for which loss of function is a known mechanism of disease; Located in the A-band region of TTN in which the majority of loss of function variants have been associated with autosomal dominant titinopathies (Herman et al., 2012); This variant is associated with the following publications: (PMID: 22335739)

NM_001267550.2(TTN):c.87288del (p.Ala29097fs)

Genes: TTN (titin; minus strand), TTN-AS1 (TTN antisense RNA 1; plus strand). Cytogenetic location: 2q31.2.
Variant type: Deletion.
Coding change: c.87288del on transcript NM_001267550.2 (MANE Select); coding-DNA position 87288, one base deleted (T; older notation c.87288delT).
Protein change: p.Ala29097fs; shifts the reading frame from alanine 29097.
Molecular consequence: frameshift variant.
Genome position (GRCh38, 1-based): chr2:178,558,066, A deleted on the plus strand (T on the coding strand, the reverse complement: TTN is on the minus strand). VCF-style (leftmost placement, unchanged base first): chr2-178558065-CA-C. GRCh37 (hg19) VCF-style: chr2-179422792-CA-C.
Other names: c.82365del, p.Ala27456fs (NM_001256850.1); c.87288delT, p.Ala29097Leufs (NM_001267550.1); c.60093del, p.Ala20032fs (NM_003319.4); c.79584del, p.Ala26529fs (NM_133378.4); c.60468del, p.Ala20157fs (NM_133432.3); c.60669del, p.Ala20224fs (NM_133437.4); short protein forms A20032fs, A20157fs, A20224fs, A26529fs, A27456fs, A29097fs.
Identifiers: ClinVar variation 2574237 (VCV002574237.1), dbSNP rs2469555855, ClinGen allele CA2577170559.